The following is an entry in ClinVar:

ClinVar aggregate classification (germline): Uncertain significance (1 of 4 stars; one submission).

Submission:

GeneDx
Classification: Uncertain significance. Last evaluated: 2023-07-31. Review status: criteria provided, single submitter. Criteria: GeneDx Variant Classification Process June 2021. Collection method: clinical testing. Allele origin: germline. Affected: yes.
Comment: In-frame deletion of 1 amino acid in a non-repeat region; In silico analysis supports a deleterious effect on protein structure/function; Has not been previously published as pathogenic or benign to our knowledge

NM_001273.5(CHD4):c.374AGA[2] (p.Lys127del)

Gene: CHD4 (chromodomain helicase DNA binding protein 4; minus strand). Cytogenetic location: 12p13.31.
Variant type: Microsatellite.
Coding change: c.374AGA[2] on transcript NM_001273.5 (MANE Select); two copies in a row of the 3-base unit AGA starting at c.374; the reference has three copies in a row; one copy, 3 bases deleted.
Protein change: p.Lys127del; deletes lysine 127.
Genome position (GRCh38, 1-based): chr12:6,602,016-6,602,018, TCT deleted on the plus strand (AGA on the coding strand, the reverse complement: CHD4 is on the minus strand); deleting any 3 consecutive bases within chr12:6,602,016-6,602,024 gives the same sequence; the position shown is the placement nearest the transcript's 3' end. VCF-style (leftmost placement, unchanged base first): chr12-6602015-CTCT-C. GRCh37 (hg19) VCF-style: chr12-6711181-CTCT-C.
Other names: c.353AGA[2], p.Lys120del (NM_001297553.2); c.374AGA[2], p.Lys127del (NM_001363606.2); short protein forms K120del, K127del.
Identifiers: ClinVar variation 3361745 (VCV003361745.1).